The following is an entry in ClinVar:

NM_004304.5(ALK):c.4186G>A (p.Ala1396Thr)

Gene: ALK (ALK receptor tyrosine kinase; minus strand). Cytogenetic location: 2p23.2.
Variant type: single nucleotide variant.
Coding change: c.4186G>A on transcript NM_004304.5 (MANE Select); coding-DNA position 4186, G replaced by A.
Protein change: p.Ala1396Thr; replaces alanine 1396 with threonine.
Molecular consequence: missense variant.
Genome position (GRCh38, 1-based): chr2:29,193,901, C>T on the plus strand (G>A on the coding strand, the complement: ALK is on the minus strand). VCF-style: chr2-29193901-C-T. GRCh37 (hg19) VCF-style: chr2-29416767-C-T.
Other names: c.982G>A, p.Ala328Thr (NM_001353765.2); short protein forms A1396T, A328T.
Identifiers: ClinVar variation 133478 (VCV000133478.24), dbSNP rs201768549, ClinGen allele CA156650.
Genomic context (GRCh38, chr2:29,193,901, plus strand): 5'-TGGGCCTCACAGGCACTTTCTCTTCCTCTTCCACAAGTGGACCATATTCTATCGGCAAAG[C>T]GGTGTTGATTACATCCGGGTCCTGCCGTAGGGGAAATTATTAAAACTTTGAATCAGAGAC-3'
Protein context (NP_004295.2, residues 1386-1406): CTQDPDVINT[Ala1396Thr]LPIEYGPLVE

ClinVar aggregate classification (germline): Conflicting classifications of pathogenicity. Review status: criteria provided, conflicting classifications (1 of 4 stars). 8 submissions from 8 submitters: Uncertain significance (2); Benign (1); Likely benign (4). 1 of the submissions does not count toward it. Last evaluated 2026-01-04.

Conditions:
Hereditary cancer-predisposing syndrome. Also called: Neoplastic Syndromes, Hereditary; Hereditary Cancer Syndrome; Tumor predisposition; Hereditary neoplastic syndrome. Identifiers: Orphanet 140162, MedGen C0027672, MeSH D009386, MONDO:0015356.
Neuroblastoma, susceptibility to, 3. Also called: ALK-Related Neuroblastic Tumor Susceptibility. Identifiers: Orphanet 635, MedGen C2751681, MONDO:0013083, OMIM 613014.

Allele frequency attached by ClinVar (database versions not stated): 1000 Genomes Project 0.00020; gnomAD 0.00027 and 0.00028; ESP Exome Variant Server 0.00038; TOPMed 0.00026; 1000 Genomes Project 30x 0.00016.
gnomAD v4.1: 83 of 1,614,128 alleles (0.0051%); highest among the groups gnomAD compares: African/African-American, 0.097%; no homozygotes.

Submissions (8):

Labcorp Genetics (formerly Invitae), Labcorp
Classification: Likely benign for Neuroblastoma, susceptibility to, 3. Last evaluated: 2026-01-04. Review status: criteria provided, single submitter. Criteria: Invitae Variant Classification Sherloc (09022015). Collection method: clinical testing. Allele origin: germline.

Ambry Genetics
Classification: Benign for Hereditary cancer-predisposing syndrome. Last evaluated: 2024-06-25. Review status: criteria provided, single submitter. Criteria: Ambry Variant Classification Scheme 2023. Collection method: clinical testing. Allele origin: germline.

Fulgent Genetics
Classification: Likely benign for Neuroblastoma, susceptibility to, 3. Last evaluated: 2024-06-13. Review status: criteria provided, single submitter. Criteria: ACMG Guidelines, 2015. Collection method: clinical testing. Allele origin: germline.

GeneDx
Classification: Uncertain significance. Last evaluated: 2024-05-20. Review status: criteria provided, single submitter. Criteria: GeneDx Variant Classification Process June 2021. Collection method: clinical testing. Allele origin: germline.
Comment: In silico analysis supports that this missense variant does not alter protein structure/function; Identified in healthy individuals undergoing whole genome sequencing (PMID: 24728327); This variant is associated with the following publications: (PMID: 24728327)

Sema4
Classification: Likely benign for Hereditary cancer-predisposing syndrome. Last evaluated: 2021-11-12. Review status: criteria provided, single submitter. Criteria: Sema4 Curation Guidelines. Collection method: curation. Allele origin: germline.

Eurofins Ntd Llc (ga)
Classification: Uncertain significance. Last evaluated: 2018-03-09. Review status: criteria provided, single submitter. Criteria: EGL ClinVar v180209 classification definitions. Collection method: clinical testing. Allele origin: germline. Observed: 1 variant allele, 1 heterozygote.

Illumina Laboratory Services, Illumina
Classification: Likely benign for Neuroblastoma, susceptibility to, 3. Last evaluated: 2018-01-13. Review status: criteria provided, single submitter. Criteria: ICSL Variant Classification Criteria 13 December 2019. Collection method: clinical testing. Allele origin: germline.
Comment: This variant was observed in the ICSL laboratory as part of a predisposition screen in an ostensibly healthy population. It had not been previously curated by ICSL or reported in the Human Gene Mutation Database (HGMD: prior to June 1st, 2018), and was therefore a candidate for classification through an automated scoring system. Utilizing variant allele frequency, disease prevalence and penetrance estimates, and inheritance mode, an automated score was calculated to assess if this variant is too frequent to cause the disease. Based on the score and internal cut-off values, a variant classified as likely benign is not then subjected to further curation. The score for this variant resulted in a classification of likely benign for this disease.

ITMI
No classification provided. Condition: AllHighlyPenetrant. Last evaluated: 2013-09-19. Review status: no classification provided. Collection method: reference population. Allele origin: germline. Not counted in ClinVar's aggregate classification.
Comment: Please see associated publication for description of ethnicities

Literature cited by the submitters: PubMed 24728327 (cited by ITMI).